The following is an entry in ClinVar:

ClinVar aggregate classification (germline): Uncertain significance. Review status: criteria provided, multiple submitters, no conflicts (2 of 4 stars). 3 submissions from 3 submitters: Uncertain significance (3). Last evaluated 2024-03-07.

Conditions:
Hereditary breast ovarian cancer syndrome. Also called: Hereditary breast and ovarian cancer syndrome; Hereditary breast and ovarian cancer; Hereditary breast and ovarian cancer syndrome (HBOC); Breast and ovarian cancer; Hereditary breast and/or ovarian cancer syndrome; BRCA1- and BRCA2-Associated Hereditary Breast and Ovarian Cancer. Identifiers: Orphanet 145, MedGen C0677776, MeSH D061325, MONDO:0003582. Disease mechanism: loss of function.
Hereditary cancer-predisposing syndrome. Also called: Neoplastic Syndromes, Hereditary; Tumor predisposition; Hereditary Cancer Syndrome; Hereditary neoplastic syndrome. Identifiers: Orphanet 140162, MedGen C0027672, MeSH D009386, MONDO:0015356.

Allele frequency attached by ClinVar (database versions not stated): gnomAD exomes below 0.00001.

Submissions (3):

Labcorp Genetics (formerly Invitae), Labcorp
Classification: Uncertain significance for Hereditary breast ovarian cancer syndrome. Last evaluated: 2024-03-07. Review status: criteria provided, single submitter. Criteria: Invitae Variant Classification Sherloc (09022015). Collection method: clinical testing. Allele origin: germline.
Comment: This sequence change replaces methionine, which is neutral and non-polar, with isoleucine, which is neutral and non-polar, at codon 1510 of the BRCA1 protein (p.Met1510Ile). This variant is not present in population databases (gnomAD no frequency). This variant has not been reported in the literature in individuals affected with BRCA1-related conditions. ClinVar contains an entry for this variant (Variation ID: 482904). Advanced modeling of protein sequence and biophysical properties (such as structural, functional, and spatial information, amino acid conservation, physicochemical variation, residue mobility, and thermodynamic stability) performed at Invitae indicates that this missense variant is not expected to disrupt BRCA1 protein function with a negative predictive value of 95%. In summary, the available evidence is currently insufficient to determine the role of this variant in disease. Therefore, it has been classified as a Variant of Uncertain Significance.

Ambry Genetics
Classification: Uncertain significance for Hereditary cancer-predisposing syndrome. Last evaluated: 2022-03-14. Review status: criteria provided, single submitter. Criteria: Ambry Variant Classification Scheme 2023. Collection method: clinical testing. Allele origin: germline.
Comment: The p.M1510I variant (also known as c.4530G>A), located in coding exon 13 of the BRCA1 gene, results from a G to A substitution at nucleotide position 4530. The methionine at codon 1510 is replaced by isoleucine, an amino acid with highly similar properties. This amino acid position is poorly conserved in available vertebrate species. In addition, the in silico prediction for this alteration is inconclusive. Since supporting evidence is limited at this time, the clinical significance of this alteration remains unclear.

Color Diagnostics, LLC DBA Color Health
Classification: Uncertain significance for Hereditary cancer-predisposing syndrome. Last evaluated: 2019-01-04. Review status: criteria provided, single submitter. Criteria: ACMG Guidelines, 2015. Collection method: clinical testing. Allele origin: germline.

NM_007294.4(BRCA1):c.4530G>A (p.Met1510Ile)

Gene: BRCA1 (BRCA1 DNA repair associated; minus strand). Cytogenetic location: 17q21.31.
Variant type: single nucleotide variant.
Coding change: c.4530G>A on transcript NM_007294.4 (MANE Select); coding-DNA position 4530, G replaced by A.
Protein change: p.Met1510Ile; replaces methionine 1510 with isoleucine.
Molecular consequence: missense variant. On other transcripts: non-coding transcript variant (1).
Genome position (GRCh38, 1-based): chr17:43,074,476, C>T on the plus strand (G>A on the coding strand, the complement: BRCA1 is on the minus strand). VCF-style: chr17-43074476-C-T. GRCh37 (hg19) VCF-style: chr17-41226493-C-T.
Other names: c.4314G>A, p.Met1438Ile (NM_001407918.1, NM_001407915.1, NM_001407916.1 and 1 more transcripts); c.4407G>A, p.Met1469Ile (NM_001407919.1, NM_001407937.1, NM_001407938.1 and 6 more transcripts); c.4266G>A, p.Met1422Ile (NM_001407920.1, NM_001407921.1, NM_001407922.1 and 4 more transcripts); c.4263G>A, p.Met1421Ile (NM_001407927.1, NM_001407928.1, NM_001407929.1 and 4 more transcripts); c.4260G>A, p.Met1420Ile (NM_001407934.1, NM_001407935.1, NM_001407936.1); c.4404G>A, p.Met1468Ile (NM_001407939.1, NM_001407940.1, NM_001407670.1 and 11 more transcripts); c.4401G>A, p.Met1467Ile (NM_001407941.1, NM_001407681.1, NM_001407682.1 and 6 more transcripts); c.4389G>A, p.Met1463Ile (NM_001407942.1, NM_007297.4, NM_001407692.1 and 13 more transcripts); and 68 more; short protein forms M1510I, M1531I, M406I, M1463I, M1214I, M1398I, M1421I, M1438I.
Identifiers: ClinVar variation 482904 (VCV000482904.14), dbSNP rs1555582010, ClinGen allele CA10592461.
Genomic context (GRCh38, chr17:43,074,476, plus strand): 5'-CTTAATGAGCTCCTCTTGAGATGGGTAGTTTCTATTCTGAAGACTCCCAGAGCAACTGTG[C>T]ATGTACCACCTATCATCTAATGATGGGCATTTAGAAGGGGATGACCTAGAAAGATAAATG-3'
Protein context (NP_009225.1, residues 1500-1520): KCPSLDDRWY[Met1510Ile]HSCSGSLQNR